The following is an entry in ClinVar:

ClinVar aggregate classification (germline): Likely pathogenic (1 of 4 stars; one submission).

Conditions:
Cardiovascular phenotype. Identifiers: MedGen CN230736.

Submission:

Molecular Diagnostic Laboratory for Inherited Cardiovascular Disease, Montreal Heart Institute
Classification: Likely pathogenic for Cardiovascular phenotype. Last evaluated: 2025-09-15. Review status: criteria provided, single submitter. Criteria: ACMG Guidelines, 2015. Collection method: clinical testing. Allele origin: germline. Affected: yes.
Comment: PVS1_strong, PM2, PS4_supp

NM_005902.3:c.(658+1_659-1)_(871+1_872-1)del

Gene: SMAD3 (SMAD family member 3; plus strand).
Variant type: Deletion.
Identifiers: ClinVar variation 4820446 (VCV004820446.1).